The following is an entry in ClinVar:

GRCh38/hg38 Xq26.2-26.3(chrX:133909683-135211108)x1

Genes: CCDC160 (coiled-coil domain containing 160; plus strand), CT55 (cancer/testis antigen 55; minus strand), ETDB (embryonic testis differentiation homolog B; minus strand), GPC3 (glypican 3; minus strand), HPRT1 (hypoxanthine phosphoribosyltransferase 1; plus strand) and 50 more. Cytogenetic location: Xq26.2-26.3.
Variant type: copy number loss.
Change: copy number 1 of chrX:133,909,683-135,211,108 (1.30 Mb, GRCh38 coordinates, 1-based), cytogenetic band Xq26.2-26.3.
Identifiers: ClinVar variation 57217 (VCV000057217.1).

ClinVar aggregate classification (germline): Pathogenic (1 of 4 stars; one submission).

Submission:

ISCA site 4
Classification: Pathogenic. Last evaluated: 2011-08-12. Review status: criteria provided, single submitter. Criteria: Kaminsky et al. (Genet Med. 2011). Collection method: clinical testing. Allele origin: de novo. Affected: yes. Observed: 1 variant allele.
Comment: Copy number variation identified through the course of routine clinical cytogenomic testing in postnatal populations. Clinical assertions have been curated as described in Kaminsky et al. 2011.